The following is an entry in ClinVar:

NM_000548.5(TSC2):c.2504C>T (p.Ala835Val)

Gene: TSC2 (TSC complex subunit 2; plus strand). Cytogenetic location: 16p13.3.
Variant type: single nucleotide variant.
Coding change: c.2504C>T on transcript NM_000548.5 (MANE Select); coding-DNA position 2504, C replaced by T.
Protein change: p.Ala835Val; replaces alanine 835 with valine.
Molecular consequence: missense variant.
Genome position (GRCh38, 1-based): chr16:2,074,348, C>T. VCF-style: chr16-2074348-C-T. GRCh37 (hg19) VCF-style: chr16-2124349-C-T.
Other names: c.2504C>T, p.Ala835Val (NM_001077183.3, NM_001114382.3, NM_001363528.2 and 6 more transcripts); c.2393C>T, p.Ala798Val (NM_001318827.2, NM_001406670.1, NM_001406678.1); c.2357C>T, p.Ala786Val (NM_001318829.2, NM_001406675.1, NM_001406676.1 and 1 more transcripts); c.1904C>T, p.Ala635Val (NM_001318831.2, NM_001406680.1, NM_001406682.1 and 6 more transcripts); c.2537C>T, p.Ala846Val (NM_001318832.2); c.2594C>T, p.Ala865Val (NM_001406667.1, NM_001406668.1); c.2492C>T, p.Ala831Val (NM_001406671.1, NM_001406673.1); c.2447C>T, p.Ala816Val (NM_001406677.1); and 3 more; short protein forms A846V, A635V, A798V, A831V, A865V, A387V, A786V, A816V.
Identifiers: ClinVar variation 1792292 (VCV001792292.2), dbSNP rs761588986, ClinGen allele CA039269.
Genomic context (GRCh38, chr16:2,074,348, plus strand): 5'-TGCCTGACATCATCATCAAGGCGCTGCCTGTTCTGGTGGTGAAGCTCACGCACATCTCAG[C>T]CACAGCCAGCATGGCCGTCCCACTGCTGGAGTTCCTGTCCAGTGAGTCCCCGCCCTGCCT-3'
Protein context (NP_000539.2, residues 825-845): VLVVKLTHIS[Ala835Val]TASMAVPLLE

ClinVar aggregate classification (germline): Uncertain significance (1 of 4 stars; one submission).

Conditions:
Hereditary cancer-predisposing syndrome. Also called: Hereditary Cancer Syndrome; Hereditary neoplastic syndrome; Tumor predisposition; Neoplastic Syndromes, Hereditary. Identifiers: Orphanet 140162, MedGen C0027672, MeSH D009386, MONDO:0015356.

Allele frequency attached by ClinVar (database versions not stated): gnomAD exomes below 0.00001; ExAC 0.00001.
gnomAD v4.1: 2 of 1,612,532 alleles (0.00012%); highest among the groups gnomAD compares: South Asian, 0.0011%; no homozygotes.

Submission:

Ambry Genetics
Classification: Uncertain significance for Hereditary cancer-predisposing syndrome. Last evaluated: 2022-07-01. Review status: criteria provided, single submitter. Criteria: Ambry Variant Classification Scheme 2023. Collection method: clinical testing. Allele origin: germline.
Comment: The p.A835V variant (also known as c.2504C>T), located in coding exon 21 of the TSC2 gene, results from a C to T substitution at nucleotide position 2504. The alanine at codon 835 is replaced by valine, an amino acid with similar properties. This amino acid position is conserved. In addition, this alteration is predicted to be deleterious by in silico analysis. Since supporting evidence is limited at this time, the clinical significance of this alteration remains unclear.